The following is an entry in ClinVar:

ClinVar aggregate classification (germline): Likely pathogenic (1 of 4 stars; one submission).

Submission:

Labcorp Genetics (formerly Invitae), Labcorp
Classification: Likely pathogenic. Last evaluated: 2023-01-07. Review status: criteria provided, single submitter. Criteria: Invitae Variant Classification Sherloc (09022015). Collection method: clinical testing. Allele origin: germline.
Comment: In summary, the currently available evidence indicates that the variant is pathogenic, but additional data are needed to prove that conclusively. Therefore, this variant has been classified as Likely Pathogenic. Algorithms developed to predict the effect of sequence changes on RNA splicing suggest that this variant may disrupt the consensus splice site. This variant has not been reported in the literature in individuals affected with COL17A1-related conditions. This variant is not present in population databases (gnomAD no frequency). This sequence change affects a splice site in intron 2 of the COL17A1 gene. It is expected to disrupt RNA splicing. Variants that disrupt the donor or acceptor splice site typically lead to a loss of protein function (PMID: 16199547), and loss-of-function variants in COL17A1 are known to be pathogenic (PMID: 16473856, 17344927, 20301304, 21357940, 24319098).

Literature cited by the submitters: PubMed 16199547; PubMed 16473856; PubMed 17344927; PubMed 20301304; PubMed 21357940; PubMed 24319098.

NM_000494.4(COL17A1):c.52+2_52+5del

Gene: COL17A1 (collagen type XVII alpha 1 chain; minus strand). Cytogenetic location: 10q25.1.
Variant type: Deletion.
Coding change: c.52+2_52+5del on transcript NM_000494.4 (MANE Select); the canonical splice donor site of the intron after coding-DNA position 52 through 5 bases into the intron after coding-DNA position 52, 4 bases deleted (TAAG; older notation c.52+2_52+5delTAAG).
Molecular consequence: splice donor variant.
Genome position (GRCh38, 1-based): chr10:104,080,617-104,080,620, CTTA deleted on the plus strand (TAAG on the coding strand, the reverse complement: COL17A1 is on the minus strand); deleting any 4 consecutive bases within chr10:104,080,617-104,080,623 gives the same sequence; the c. name uses the placement nearest the transcript's 3' end. VCF-style (leftmost placement, unchanged base first): chr10-104080616-TCTTA-T. GRCh37 (hg19) VCF-style: chr10-105840374-TCTTA-T.
Identifiers: ClinVar variation 2826860 (VCV002826860.3), dbSNP rs2493395710, ClinGen allele CA2739276008.